The following is an entry in ClinVar:

NM_004006.3(DMD):c.901T>C (p.Tyr301His)

Gene: DMD (dystrophin; minus strand). Cytogenetic location: Xp21.1.
Variant type: single nucleotide variant.
Coding change: c.901T>C on transcript NM_004006.3 (MANE Select); coding-DNA position 901, T replaced by C.
Protein change: p.Tyr301His; replaces tyrosine 301 with histidine.
Molecular consequence: missense variant.
Genome position (GRCh38, 1-based): chrX:32,697,929, A>G on the plus strand (T>C on the coding strand, the complement: DMD is on the minus strand). VCF-style: chrX-32697929-A-G. GRCh37 (hg19) VCF-style: chrX-32716046-A-G.
Other names: c.877T>C, p.Tyr293His (NM_000109.4); c.889T>C, p.Tyr297His (NM_004009.3); c.532T>C, p.Tyr178His (NM_004010.3); short protein forms Y178H, Y297H, Y293H, Y301H.
Identifiers: ClinVar variation 1431683 (VCV001431683.6), dbSNP rs773135408, ClinGen allele CA412668548.
Genomic context (GRCh38, chrX:32,697,929, plus strand): 5'-CCTGTGAAGGAAATGGGCTCCGTGTAGGGTCAGAGGTGGTGACATAAGCAGCCTGTGTGT[A>G]GGCATAGCTCTTGAATCGAGGCTTAGGGGAAGAAGTTCTCTCATATCCCTGTGCTAGACT-3'
Protein context (NP_003997.2, residues 291-311): SPKPRFKSYA[Tyr301His]TQAAYVTTSD

ClinVar aggregate classification (germline): Uncertain significance (1 of 4 stars; one submission).

Conditions:
Duchenne muscular dystrophy (DMD). Also called: MUSCULAR DYSTROPHY, PSEUDOHYPERTROPHIC PROGRESSIVE, DUCHENNE TYPE; Duchenne Muscular Dystrophy (DMD). Identifiers: Orphanet 98896, MedGen C0013264, MONDO:0010679, OMIM 310200.

Submission:

Labcorp Genetics (formerly Invitae), Labcorp
Classification: Uncertain significance for Duchenne muscular dystrophy. Last evaluated: 2022-10-04. Review status: criteria provided, single submitter. Criteria: Invitae Variant Classification Sherloc (09022015). Collection method: clinical testing. Allele origin: germline.
Comment: ClinVar contains an entry for this variant (Variation ID: 1431683). In summary, the available evidence is currently insufficient to determine the role of this variant in disease. Therefore, it has been classified as a Variant of Uncertain Significance. Advanced modeling of protein sequence and biophysical properties (such as structural, functional, and spatial information, amino acid conservation, physicochemical variation, residue mobility, and thermodynamic stability) performed at Invitae indicates that this missense variant is not expected to disrupt DMD protein function. This variant has not been reported in the literature in individuals affected with DMD-related conditions. This variant is not present in population databases (gnomAD no frequency). This sequence change replaces tyrosine, which is neutral and polar, with histidine, which is basic and polar, at codon 301 of the DMD protein (p.Tyr301His).